The following is an entry in ClinVar:

NM_201384.3(PLEC):c.12517G>T (p.Glu4173Ter)

Gene: PLEC (plectin; minus strand). Cytogenetic location: 8q24.3.
Variant type: single nucleotide variant.
Coding change: c.12517G>T on transcript NM_201384.3 (MANE Select); coding-DNA position 12517, G replaced by T.
Protein change: p.Glu4173Ter; replaces glutamic acid 4173 with a stop codon.
Molecular consequence: nonsense.
Genome position (GRCh38, 1-based): chr8:143,917,304, C>A on the plus strand (G>T on the coding strand, the complement: PLEC is on the minus strand). VCF-style: chr8-143917304-C-A. GRCh37 (hg19) VCF-style: chr8-144991472-C-A.
Other names: c.12475G>T, p.Glu4159Ter (NM_201378.4); c.12451G>T, p.Glu4151Ter (NM_201379.3); c.12928G>T, p.Glu4310Ter (NM_201380.4); c.12421G>T, p.Glu4141Ter (NM_201381.3); c.12517G>T, p.Glu4173Ter (NM_201382.4); c.12529G>T, p.Glu4177Ter (NM_201383.3); c.12598G>T, p.Glu4200Ter (NM_000445.5); c.9217G>T, p.Glu3073Ter (NM_001410941.1); short protein forms E3073*, E4151*, E4173*, E4177*, E4141*, E4159*, E4200*, E4310*.
Identifiers: ClinVar variation 2945998 (VCV002945998.3), dbSNP rs868975952, ClinGen allele CA372481186.

ClinVar aggregate classification (germline): Pathogenic (1 of 4 stars; one submission).

Conditions:
Epidermolysis bullosa simplex with nail dystrophy (EBS5D). Identifiers: MedGen C4225309, MONDO:0014661, OMIM 616487.
Epidermolysis bullosa simplex, Ogna type (EBS5A). Also called: Pidermolysis bullosa simplex 5A, Ogna type; EPIDERMOLYSIS BULLOSA SIMPLEX 5A, OGNA TYPE. Identifiers: Orphanet 79401, MedGen C0432317, MONDO:0007555, OMIM 131950.
Autosomal recessive limb-girdle muscular dystrophy type 2Q (LGMDR17). Also called: MUSCULAR DYSTROPHY, LIMB-GIRDLE, AUTOSOMAL RECESSIVE 17. Identifiers: Orphanet 254361, MedGen C3150989, MONDO:0013390, OMIM 613723.
Epidermolysis bullosa simplex 5B, with muscular dystrophy (EBS5B). Also called: EPIDERMOLYSIS BULLOSA SIMPLEX AND LIMB-GIRDLE MUSCULAR DYSTROPHY; Epidermolysis bullosa simplex with muscular dystrophy. Identifiers: Orphanet 257, MedGen C2931072, MONDO:0009181, OMIM 226670.
Epidermolysis bullosa simplex 5C, with pyloric atresia (EBS5C). Also called: PLEC-Related Epidermolysis Bullosa with Pyloric Atresia; Epidermolysis bullosa simplex with pyloric atresia; PLEC1-Related Epidermolysis Bullosa with Pyloric Atresia. Identifiers: Orphanet 158684, MedGen C2677349, MONDO:0012807, OMIM 612138.

Submission:

Labcorp Genetics (formerly Invitae), Labcorp
Classification: Pathogenic for Autosomal recessive limb-girdle muscular dystrophy type 2Q; Epidermolysis bullosa simplex, Ogna type; Epidermolysis bullosa simplex with nail dystrophy; Epidermolysis bullosa simplex 5C, with pyloric atresia; Epidermolysis bullosa simplex 5B, with muscular dystrophy. Last evaluated: 2023-11-28. Review status: criteria provided, single submitter. Criteria: Invitae Variant Classification Sherloc (09022015). Collection method: clinical testing. Allele origin: germline.
Comment: This sequence change creates a premature translational stop signal (p.Glu4200*) in the PLEC gene. While this is not anticipated to result in nonsense mediated decay, it is expected to disrupt the last 375 amino acid(s) of the PLEC protein. This variant is not present in population databases (gnomAD no frequency). This variant has not been reported in the literature in individuals affected with PLEC-related conditions. This variant disrupts a region of the PLEC protein in which other variant(s) (p.Lys4460*) have been determined to be pathogenic (PMID: 10652002). This suggests that this is a clinically significant region of the protein, and that variants that disrupt it are likely to be disease-causing. For these reasons, this variant has been classified as Pathogenic.

Literature cited by the submitters: PubMed 10652002.